The following is an entry in ClinVar:

NM_018127.7(ELAC2):c.2452C>G (p.Pro818Ala)

Gene: ELAC2 (elaC ribonuclease Z 2; minus strand). Cytogenetic location: 17p12.
Variant type: single nucleotide variant.
Coding change: c.2452C>G on transcript NM_018127.7 (MANE Select); coding-DNA position 2452, C replaced by G.
Protein change: p.Pro818Ala; replaces proline 818 with alanine.
Molecular consequence: missense variant.
Genome position (GRCh38, 1-based): chr17:12,992,847, G>C on the plus strand (C>G on the coding strand, the complement: ELAC2 is on the minus strand). VCF-style: chr17-12992847-G-C. GRCh37 (hg19) VCF-style: chr17-12896164-G-C.
Other names: c.2332C>G, p.Pro778Ala (NM_001165962.2); c.2449C>G, p.Pro817Ala (NM_173717.2); short protein forms P817A, P818A, P778A.
Identifiers: ClinVar variation 3672182 (VCV003672182.2).
Genomic context (GRCh38, chr17:12,992,847, plus strand): 5'-CAGCCTTCTGAGTTCAGGGTCTCCCAGATCTTCACTGGGCTCTGACCTTCTTGGCCTGTG[G>C]CTCCTCTGTGTGGGCCCGCTTCTGCTGAGGCTCCCCATCCTCCAGGCCGCCTGCCAGCTC-3'
Protein context (NP_060597.4, residues 808-826): PQQKRAHTEE[Pro818Ala]QAKKVRAQ

ClinVar aggregate classification (germline): Uncertain significance (1 of 4 stars; one submission).

Conditions:
Combined oxidative phosphorylation defect type 17. Also called: Combined oxidative phosphorylation deficiency 17. Identifiers: Orphanet 369913, MedGen C3809526, MONDO:0014190, OMIM 615440.

Submission:

Labcorp Genetics (formerly Invitae), Labcorp
Classification: Uncertain significance for Combined oxidative phosphorylation defect type 17. Last evaluated: 2024-12-20. Review status: criteria provided, single submitter. Criteria: Invitae Variant Classification Sherloc (09022015). Collection method: clinical testing. Allele origin: germline.
Comment: This sequence change replaces proline, which is neutral and non-polar, with alanine, which is neutral and non-polar, at codon 818 of the ELAC2 protein (p.Pro818Ala). This variant is not present in population databases (gnomAD no frequency). This variant has not been reported in the literature in individuals affected with ELAC2-related conditions. An algorithm developed to predict the effect of missense changes on protein structure and function (PolyPhen-2) suggests that this variant is likely to be disruptive. In summary, the available evidence is currently insufficient to determine the role of this variant in disease. Therefore, it has been classified as a Variant of Uncertain Significance.